The following is an entry in ClinVar:

NM_032043.3(BRIP1):c.1234_1235del (p.Glu412fs)

Gene: BRIP1 (BRCA1 interacting DNA helicase 1; minus strand). Cytogenetic location: 17q23.2.
Variant type: Deletion.
Coding change: c.1234_1235del on transcript NM_032043.3 (MANE Select); coding-DNA positions 1234 to 1235, 2 bases deleted (GA; older notation c.1234_1235delGA).
Protein change: p.Glu412fs; shifts the reading frame from glutamic acid 412.
Molecular consequence: frameshift variant.
Genome position (GRCh38, 1-based): chr17:61,799,205-61,799,206, TC deleted on the plus strand (GA on the coding strand, the reverse complement: BRIP1 is on the minus strand); deleting any 2 consecutive bases within chr17:61,799,205-61,799,207 gives the same sequence; the c. name uses the placement nearest the transcript's 3' end. VCF-style (leftmost placement, unchanged base first): chr17-61799204-TTC-T. GRCh37 (hg19) VCF-style: chr17-59876565-TTC-T.
Other names: c.1234_1235delGA (NM_032043.2); short protein forms E412fs.
Identifiers: ClinVar variation 422238 (VCV000422238.14), dbSNP rs1064795649, ClinGen allele CA16620536.

ClinVar aggregate classification (germline): Pathogenic/Likely pathogenic. Review status: criteria provided, multiple submitters, no conflicts (2 of 4 stars). 7 submissions from 7 submitters: Pathogenic (5); Likely pathogenic (2). Last evaluated 2025-09-16.

Conditions:
Fanconi anemia complementation group J. Also called: BRIP1-Related Fanconi Anemia. Identifiers: Orphanet 84, MedGen C1836860, MONDO:0012187, OMIM 609054.
Familial cancer of breast. Also called: hereditary breast carcinoma; BREAST CANCER, FAMILIAL; Hereditary breast cancer. Identifiers: Orphanet 227535, MedGen C0346153, MONDO:0016419, OMIM 114480. Disease mechanism: loss of function.
Hereditary cancer-predisposing syndrome. Also called: Neoplastic Syndromes, Hereditary; Hereditary neoplastic syndrome; Hereditary Cancer Syndrome; Tumor predisposition. Identifiers: Orphanet 140162, MedGen C0027672, MeSH D009386, MONDO:0015356.
Familial ovarian cancer. Identifiers: MedGen C5679802, MONDO:0016248.
Ovarian Cancers.

Submissions (7):

Labcorp Genetics (formerly Invitae), Labcorp
Classification: Pathogenic for Familial cancer of breast; Fanconi anemia complementation group J. Last evaluated: 2025-09-16. Review status: criteria provided, single submitter. Criteria: Invitae Variant Classification Sherloc (09022015). Collection method: clinical testing. Allele origin: germline.
Comment: This sequence change creates a premature translational stop signal (p.Glu412Serfs*9) in the BRIP1 gene. It is expected to result in an absent or disrupted protein product. Loss-of-function variants in BRIP1 are known to be pathogenic (PMID: 16116423, 17033622, 21964575). This variant is not present in population databases (gnomAD no frequency). This premature translational stop signal has been observed in individual(s) with ovarian cancer (PMID: 28888541). ClinVar contains an entry for this variant (Variation ID: 422238). For these reasons, this variant has been classified as Pathogenic.

Myriad Genetics, Inc.
Classification: Pathogenic for Familial cancer of breast. Last evaluated: 2023-06-01. Review status: criteria provided, single submitter. Criteria: Myriad Autosomal Dominant, Autosomal Recessive and X-Linked Classification Criteria (2023). Collection method: clinical testing. Allele origin: unknown.
Comment: This variant is considered pathogenic. This variant creates a frameshift predicted to result in premature protein truncation.

Clinical Genetics Laboratory, Skane University Hospital Lund
Classification: Pathogenic. Last evaluated: 2022-10-25. Review status: criteria provided, single submitter. Criteria: ACMG Guidelines, 2015. Collection method: clinical testing. Allele origin: germline. Affected: yes.

Ambry Genetics
Classification: Pathogenic for Hereditary cancer-predisposing syndrome. Last evaluated: 2022-07-27. Review status: criteria provided, single submitter. Criteria: Ambry Variant Classification Scheme 2023. Collection method: clinical testing. Allele origin: germline.
Comment: The c.1234_1235delGA pathogenic mutation, located in coding exon 8 of the BRIP1 gene, results from a deletion of two nucleotides at nucleotide positions 1234 to 1235, causing a translational frameshift with a predicted alternate stop codon (p.E412Sfs*9). This variant is considered to be rare based on population cohorts in the Genome Aggregation Database (gnomAD). This alteration is expected to result in loss of function by premature protein truncation or nonsense-mediated mRNA decay. As such, this alteration is interpreted as a disease-causing mutation.

Rady Children's Institute for Genomic Medicine, Rady Children's Hospital San Diego
Classification: Pathogenic for Ovarian Cancers. Last evaluated: 2018-09-27. Review status: criteria provided, single submitter. Criteria: ACMG Guidelines, 2015. Collection method: clinical testing. Allele origin: germline. Affected: yes. Observed: 1 variant allele.
Comment: This frameshifting variant in exon 9 of 20 introduces a premature stop codon and is therefore predicted to result in loss of normal protein function. The p.Glu412SerfsTer9 variant has been classified by two clinical laboratories as likely pathogenic and pathogenic in the ClinVar database (Variation ID: 422238). This variant has not been previously reported in the literature or functionally characterized in the literature to our knowledge. It is absent from the ExAC and gnomAD population databases and thus is presumed to be rare. Based on the available evidence, the c.1234_1235delGA (p.Glu412SerfsTer9) variant is classified as pathogenic.

GeneDx
Classification: Likely pathogenic. Last evaluated: 2018-01-31. Review status: criteria provided, single submitter. Criteria: GeneDx Variant Classification (06012015). Collection method: clinical testing. Allele origin: germline. Affected: yes.
Comment: This deletion of two nucleotides in BRIP1 is denoted c.1234_1235delGA at the cDNA level and p.Glu412SerfsX9 (E412SfsX9) at the protein level. The normal sequence, with the bases that are deleted in braces, is AACA[GA]AGTT. The deletion causes a frameshift which changes a Glutamic Acid to a Serine at codon 412, and creates a premature stop codon at position 9 of the new reading frame. Although this variant has not, to our knowledge, been reported in the literature, it is predicted to cause loss of normal protein function through either protein truncation or nonsense-mediated mRNA decay. Based on the currently available information, we consider this deletion to be a likely pathogenic variant.

University Health Network, Familial Cancer Clinic, Princess Margaret Cancer Centre
Classification: Likely pathogenic for Familial ovarian cancer. Review status: criteria provided, single submitter. Criteria: ACMG Guidelines, 2015. Collection method: clinical testing. Allele origin: germline. Inheritance: Autosomal dominant inheritance. Affected: no. Observed: 2 variant alleles.

Literature cited by the submitters: PubMed 16116423 (cited by Labcorp Genetics (formerly Invitae), Labcorp); PubMed 17033622 (cited by Labcorp Genetics (formerly Invitae), Labcorp); PubMed 21964575 (cited by Labcorp Genetics (formerly Invitae), Labcorp); PubMed 28888541 (cited by Labcorp Genetics (formerly Invitae), Labcorp).